The following is an entry in ClinVar:

ClinVar aggregate classification (germline): Likely pathogenic (1 of 4 stars; one submission).

Conditions:
Mucopolysaccharidosis, MPS-II (MPS2). Also called: Hunter Syndrome; IDURONATE 2-SULFATASE DEFICIENCY; Mucopolysaccharidosis Type II; Mucopolysaccharidosis type 2; Attenuated MPS (subtype; formerly known as mild MPS II); Severe MPS II. Identifiers: Orphanet 580, Orphanet 79388, MedGen C0026705, MONDO:0010674, OMIM 309900.

Submission:

Laboratory of Diagnosis and Therapy of Lysosomal Disorders, University of Padova
Classification: Likely pathogenic for Mucopolysaccharidosis, MPS-II. Last evaluated: 2024-06-07. Review status: criteria provided, single submitter. Criteria: ACMG Guidelines, 2015. Collection method: literature only. Allele origin: germline. Affected: yes. Observed: 5 variant alleles.
Comment: Prevalence of the variant significantly increased in affected individuals compared with controls (PS4_Supporting), Absent from controls (or at low frequency) in gnomAD database (PM2_Moderate), Missense variant in a gene with a low rate of benign missense variation (PP2_Supporting), Multiple lines of computational evidence support a deleterious effect (PP3_Supporting), Patient’s phenotype or family history highly specific for the disease (PP4_Strong)

Classification method: ACMG Guidelines [PMID:25741868] with modifications

Literature cited by the submitters: PubMed 17391447; PubMed 27246110; PubMed 33676511; PubMed 36945845.

NM_000202.8(IDS):c.1204G>A (p.Glu402Lys)

Gene: IDS (iduronate 2-sulfatase; minus strand). Cytogenetic location: Xq28.
Variant type: single nucleotide variant.
Coding change: c.1204G>A on transcript NM_000202.8 (MANE Select); coding-DNA position 1204, G replaced by A.
Protein change: p.Glu402Lys; replaces glutamic acid 402 with lysine.
Molecular consequence: missense variant.
Genome position (GRCh38, 1-based): chrX:149,483,195, C>T on the plus strand (G>A on the coding strand, the complement: IDS is on the minus strand). VCF-style: chrX-149483195-C-T. GRCh37 (hg19) VCF-style: chrX-148564726-C-T.
Other names: c.934G>A, p.Glu312Lys (NM_001166550.4); short protein forms E312K, E402K.
Identifiers: ClinVar variation 3255989 (VCV003255989.2).